The following is an entry in ClinVar:

NM_001372051.1(CASP8):c.1305-19A>G

Gene: CASP8 (caspase 8; plus strand). Cytogenetic location: 2q33.1.
Variant type: single nucleotide variant.
Coding change: c.1305-19A>G on transcript NM_001372051.1 (MANE Select); 19 bases into the intron before coding-DNA position 1305, A replaced by G.
Molecular consequence: intron variant.
Genome position (GRCh38, 1-based): chr2:201,286,440, A>G. VCF-style: chr2-201286440-A-G. GRCh37 (hg19) VCF-style: chr2-202151163-A-G.
Other names: c.1356-19A>G (NM_001228.5, NM_001228.4); c.1305-19A>G (NM_001400651.1, NM_001400657.1, NM_001400648.1 and 5 more transcripts); c.1260-19A>G (NM_001400663.1, NM_001400660.1, NM_001080124.2 and 5 more transcripts); c.663-19A>G (NM_001400677.1, NM_001400751.1, NM_001400678.1 and 2 more transcripts); c.996-19A>G (NM_001400669.1); c.690-19A>G (NM_001400680.1, NM_001400674.1); c.1482-19A>G (NM_001080125.2); c.1437-19A>G (NM_001400642.1); and 7 more.
Identifiers: ClinVar variation 1168127 (VCV001168127.16), dbSNP rs3769818, ClinGen allele CA2053799.

ClinVar aggregate classification (germline): Benign/Likely benign. Review status: criteria provided, multiple submitters, no conflicts (2 of 4 stars). 6 submissions from 6 submitters: Benign (5); Likely benign (1). Last evaluated 2026-02-04.

Conditions:
Autoimmune lymphoproliferative syndrome type 2B. Also called: AUTOIMMUNE LYMPHOPROLIFERATIVE SYNDROME, TYPE IIB. Identifiers: Orphanet 275517, MedGen C1846545, MONDO:0011804, OMIM 607271.

Allele frequency attached by ClinVar (database versions not stated): TOPMed 0.71315; gnomAD 0.71850 and 0.72051; gnomAD exomes 0.72500; 1000 Genomes Project 30x 0.74250; ESP Exome Variant Server 0.74289; 1000 Genomes Project 0.74521.
gnomAD v4.1: 1,162,663 of 1,605,558 alleles (72%); highest among the groups gnomAD compares: South Asian, 82%; 423,619 homozygotes.

Submissions (6):

Labcorp Genetics (formerly Invitae), Labcorp
Classification: Benign for Autoimmune lymphoproliferative syndrome type 2B. Last evaluated: 2026-02-04. Review status: criteria provided, single submitter. Criteria: Invitae Variant Classification Sherloc (09022015). Collection method: clinical testing. Allele origin: germline.

Women's Health and Genetics/Laboratory Corporation of America, LabCorp
Classification: Benign. Last evaluated: 2026-01-21. Review status: criteria provided, single submitter. Criteria: LabCorp Variant Classification Summary - May 2015. Collection method: clinical testing. Allele origin: germline.

Blueprint Genetics
Classification: Likely benign. Last evaluated: 2024-11-26. Review status: criteria provided, single submitter. Criteria: ACMG Guidelines, 2015. Collection method: clinical testing. Allele origin: germline.

Unidad de Genómica Garrahan, Hospital de Pediatría Garrahan
Classification: Benign. Last evaluated: 2023-11-12. Review status: criteria provided, single submitter. Criteria: ACMG Guidelines, 2015. Collection method: clinical testing. Allele origin: germline. Affected: no. Observed: 79 variant alleles.
Comment: This variant is classified as Benign based on local population frequency. This variant was detected in 82% of patients studied by a panel of primary immunodeficiencies. Number of patients: 79. Only high quality variants are reported.

GeneDx
Classification: Benign. Last evaluated: 2015-03-03. Review status: criteria provided, single submitter. Criteria: GeneDx Variant Classification Process June 2021. Collection method: clinical testing. Allele origin: germline. Affected: yes.

Breakthrough Genomics
Classification: Benign. Review status: criteria provided, single submitter. Criteria: ACMG Guidelines, 2015. Collection method: not provided. Allele origin: germline. Inheritance: Autosomal recessive inheritance. Affected: yes.